The following is an entry in ClinVar:

NM_006767.4(LZTR1):c.1862C>G (p.Ser621Cys)

Gene: LZTR1 (leucine zipper like post translational regulator 1; plus strand). Cytogenetic location: 22q11.21.
Variant type: single nucleotide variant.
Coding change: c.1862C>G on transcript NM_006767.4 (MANE Select); coding-DNA position 1862, C replaced by G.
Protein change: p.Ser621Cys; replaces serine 621 with cysteine.
Molecular consequence: missense variant.
Genome position (GRCh38, 1-based): chr22:20,994,946, C>G. VCF-style: chr22-20994946-C-G. GRCh37 (hg19) VCF-style: chr22-21349235-C-G.
Other names: c.1862C>G (NM_006767.3); short protein forms S621C.
Identifiers: ClinVar variation 3006724 (VCV003006724.4), dbSNP rs1389937904, ClinGen allele CA410778620.

ClinVar aggregate classification (germline): Uncertain significance. Review status: criteria provided, multiple submitters, no conflicts (2 of 4 stars). 2 submissions from 2 submitters: Uncertain significance (2). Last evaluated 2025-06-06.

Conditions:
Hereditary cancer-predisposing syndrome. Also called: Hereditary Cancer Syndrome; Neoplastic Syndromes, Hereditary; Tumor predisposition; Hereditary neoplastic syndrome. Identifiers: Orphanet 140162, MedGen C0027672, MeSH D009386, MONDO:0015356.
Cardiovascular phenotype. Identifiers: MedGen CN230736.

Submissions (2):

Ambry Genetics
Classification: Uncertain significance for Cardiovascular phenotype; Hereditary cancer-predisposing syndrome. Last evaluated: 2025-06-06. Review status: criteria provided, single submitter. Criteria: Ambry Variant Classification Scheme 2023. Collection method: clinical testing. Allele origin: germline.

Labcorp Genetics (formerly Invitae), Labcorp
Classification: Uncertain significance. Last evaluated: 2023-04-20. Review status: criteria provided, single submitter. Criteria: Invitae Variant Classification Sherloc (09022015). Collection method: clinical testing. Allele origin: germline.
Comment: Advanced modeling of protein sequence and biophysical properties (such as structural, functional, and spatial information, amino acid conservation, physicochemical variation, residue mobility, and thermodynamic stability) performed at Invitae indicates that this missense variant is not expected to disrupt LZTR1 protein function. This variant has not been reported in the literature in individuals affected with LZTR1-related conditions. This sequence change replaces serine, which is neutral and polar, with cysteine, which is neutral and slightly polar, at codon 621 of the LZTR1 protein (p.Ser621Cys). This variant is not present in population databases (gnomAD no frequency). In summary, the available evidence is currently insufficient to determine the role of this variant in disease. Therefore, it has been classified as a Variant of Uncertain Significance.